The following is an entry in ClinVar:

ClinVar aggregate classification (germline): Uncertain significance (1 of 4 stars; one submission).

Conditions:
Idiopathic generalized epilepsy. Also called: EIG; Generalised epilepsy. Identifiers: MedGen C0270850, MONDO:0005579, OMIM 600669.
Hyperaldosteronism, familial, type IV (HALD4). Also called: FH IV; ALDOSTERONISM, PRIMARY, AND HYPERTENSION. Identifiers: Orphanet 642671, MedGen C4310756, MONDO:0014875, OMIM 617027.

Submission:

Labcorp Genetics (formerly Invitae), Labcorp
Classification: Uncertain significance for Idiopathic generalized epilepsy; Hyperaldosteronism, familial, type IV. Last evaluated: 2020-10-10. Review status: criteria provided, single submitter. Criteria: Invitae Variant Classification Sherloc (09022015). Collection method: clinical testing. Allele origin: germline.
Comment: In summary, the available evidence is currently insufficient to determine the role of this variant in disease. Therefore, it has been classified as a Variant of Uncertain Significance. Advanced modeling of protein sequence and biophysical properties (such as structural, functional, and spatial information, amino acid conservation, physicochemical variation, residue mobility, and thermodynamic stability) performed at Invitae indicates that this missense variant is not expected to disrupt CACNA1H protein function. This variant has not been reported in the literature in individuals with CACNA1H-related conditions. The frequency data for this variant in the population databases is considered unreliable, as metrics indicate insufficient coverage at this position in the ExAC database. This sequence change replaces glutamic acid with aspartic acid at codon 45 of the CACNA1H protein (p.Glu45Asp). The glutamic acid residue is weakly conserved and there is a small physicochemical difference between glutamic acid and aspartic acid.

NM_021098.3(CACNA1H):c.135G>T (p.Glu45Asp)

Gene: CACNA1H (calcium voltage-gated channel subunit alpha1 H; plus strand). Cytogenetic location: 16p13.3.
Variant type: single nucleotide variant.
Coding change: c.135G>T on transcript NM_021098.3 (MANE Select); coding-DNA position 135, G replaced by T.
Protein change: p.Glu45Asp; replaces glutamic acid 45 with aspartic acid.
Molecular consequence: missense variant.
Genome position (GRCh38, 1-based): chr16:1,153,872, G>T. VCF-style: chr16-1153872-G-T. GRCh37 (hg19) VCF-style: chr16-1203872-G-T.
Other names: c.135G>T, p.Glu45Asp (NM_001005407.2); short protein forms E45D.
Identifiers: ClinVar variation 1043953 (VCV001043953.8), dbSNP rs1371342942, ClinGen allele CA394145630.